The following is an entry in ClinVar:

NM_031935.3(HMCN1):c.13862G>A (p.Gly4621Asp)

Gene: HMCN1 (hemicentin 1; plus strand). Cytogenetic location: 1q31.1.
Variant type: single nucleotide variant.
Coding change: c.13862G>A on transcript NM_031935.3 (MANE Select); coding-DNA position 13862, G replaced by A.
Protein change: p.Gly4621Asp; replaces glycine 4621 with aspartic acid.
Molecular consequence: missense variant.
Genome position (GRCh38, 1-based): chr1:186,137,910, G>A. VCF-style: chr1-186137910-G-A. GRCh37 (hg19) VCF-style: chr1-186107042-G-A.
Other names: short protein forms G4621D.
Identifiers: ClinVar variation 1932059 (VCV001932059.5), dbSNP rs555987577, ClinGen allele CA1294778.

ClinVar aggregate classification (germline): Uncertain significance (1 of 4 stars; one submission).

Allele frequency attached by ClinVar (database versions not stated): gnomAD 0.00001; TOPMed 0.00001; ExAC 0.00002; 1000 Genomes Project 30x 0.00016; 1000 Genomes Project 0.00020.
gnomAD v4.1: 18 of 1,614,088 alleles (0.0011%); highest among the groups gnomAD compares: Middle Eastern, 0.017%; no homozygotes.

Submission:

Labcorp Genetics (formerly Invitae), Labcorp
Classification: Uncertain significance. Last evaluated: 2024-11-18. Review status: criteria provided, single submitter. Criteria: Invitae Variant Classification Sherloc (09022015). Collection method: clinical testing. Allele origin: germline.
Comment: This sequence change replaces glycine, which is neutral and non-polar, with aspartic acid, which is acidic and polar, at codon 4621 of the HMCN1 protein (p.Gly4621Asp). This variant is present in population databases (rs555987577, gnomAD 0.003%). This variant has not been reported in the literature in individuals affected with HMCN1-related conditions. ClinVar contains an entry for this variant (Variation ID: 1932059). An algorithm developed to predict the effect of missense changes on protein structure and function (PolyPhen-2) suggests that this variant is likely to be disruptive. In summary, the available evidence is currently insufficient to determine the role of this variant in disease. Therefore, it has been classified as a Variant of Uncertain Significance.